The following is an entry in ClinVar:

NM_000127.3(EXT1):c.655del (p.Ala219fs)

Gene: EXT1 (exostosin glycosyltransferase 1; minus strand). Cytogenetic location: 8q24.11.
Variant type: Deletion.
Coding change: c.655del on transcript NM_000127.3 (MANE Select); coding-DNA position 655, one base deleted (G; older notation c.655delG).
Protein change: p.Ala219fs; shifts the reading frame from alanine 219.
Molecular consequence: frameshift variant.
Genome position (GRCh38, 1-based): chr8:118,110,392, C deleted on the plus strand (G on the coding strand, the reverse complement: EXT1 is on the minus strand). VCF-style (leftmost placement, unchanged base first): chr8-118110391-GC-G. GRCh37 (hg19) VCF-style: chr8-119122630-GC-G.
Other names: short protein forms A219fs.
Identifiers: ClinVar variation 3715929 (VCV003715929.2).
Genomic context (GRCh38, chr8:118,110,391, plus strand): 5'-TTAGAAAAGAGGGGAATAGAAACATCAAAGTTGGGTCGGAAGTTTTCAGTACTGATGCTG[GC>G]TTTGGCCAGCATCGCCTGGCCGATGTCAAACCCCACGTCCTCGGTGTAGTCAGGCCAAGT-3'

ClinVar aggregate classification (germline): Pathogenic (1 of 4 stars; one submission).

Conditions:
Multiple congenital exostosis (EXT). Also called: MULTIPLE CARTILAGINOUS EXOSTOSES; Multiple exostoses; Hereditary multiple osteochondromas; Hereditary multiple exostoses; Hereditary multiple exostosis; Multiple osteochondromas. Identifiers: Orphanet 321, MedGen C0015306, MONDO:0005508, HP:0002762.

Submission:

Labcorp Genetics (formerly Invitae), Labcorp
Classification: Pathogenic for Multiple congenital exostosis. Last evaluated: 2024-09-13. Review status: criteria provided, single submitter. Criteria: Invitae Variant Classification Sherloc (09022015). Collection method: clinical testing. Allele origin: germline.
Comment: This sequence change creates a premature translational stop signal (p.Ala219Profs*33) in the EXT1 gene. It is expected to result in an absent or disrupted protein product. Loss-of-function variants in EXT1 are known to be pathogenic (PMID: 10679937, 11391482, 19810120). This variant is not present in population databases (gnomAD no frequency). This variant has not been reported in the literature in individuals affected with EXT1-related conditions. For these reasons, this variant has been classified as Pathogenic.

Literature cited by the submitters: PubMed 10679937; PubMed 11391482; PubMed 19810120.